The following is an entry in ClinVar:

NM_000016.6(ACADM):c.1102_1105del (p.Ala369fs)

Gene: ACADM (acyl-CoA dehydrogenase medium chain; plus strand). Cytogenetic location: 1p31.1.
Variant type: Deletion.
Coding change: c.1102_1105del on transcript NM_000016.6 (MANE Select); coding-DNA positions 1102 to 1105, 4 bases deleted (TTAG; older notation c.1102_1105delTTAG).
Protein change: p.Ala369fs; shifts the reading frame from alanine 369.
Molecular consequence: frameshift variant.
Genome position (GRCh38, 1-based): chr1:75,761,278-75,761,281, TTAG deleted; deleting any 4 consecutive bases within chr1:75,761,276-75,761,281 gives the same sequence; the c. name uses the placement nearest the transcript's 3' end. VCF-style (leftmost placement, unchanged base first): chr1-75761275-CAGTT-C. GRCh37 (hg19) VCF-style: chr1-76226960-CAGTT-C.
Other names: c.1102_1105del (NM_000016.4); c.1114_1117del, p.Ala373fs (NM_001127328.3); c.994_997del, p.Ala333fs (NM_001286042.2); c.1201_1204del, p.Ala402fs (NM_001286043.2); c.535_538del, p.Ala180fs (NM_001286044.2); c.1102_1105delTTAG (NM_000016.5); short protein forms A180fs, A402fs, A333fs, A369fs, A373fs.
Identifiers: ClinVar variation 3592 (VCV000003592.41), dbSNP rs387906297, ClinGen allele CA220166.
Genomic context (GRCh38, chr1:75,761,275, plus strand): 5'-GGTCGTCGAAATACCTATTATGCTTCTATTGCAAAGGCATTTGCTGGAGATATTGCAAAT[CAGTT>C]AGCTACTGATGCTGTGCAGATACTTGGAGGCAATGGATTTAATACAGAATATCCTGTAGA-3'

ClinVar aggregate classification (germline): Pathogenic/Likely pathogenic. Review status: criteria provided, multiple submitters, no conflicts (2 of 4 stars). 13 submissions from 13 submitters: Pathogenic (10); Likely pathogenic (1). 2 of the submissions do not count toward it. Last evaluated 2025-11-10.

Conditions:
ACADM-related disorder. Also called: ACADM-related condition.
MCADD - Medium-chain acyl-CoA dehydrogenase deficiency – full ACADM sequencing newborn screening follow up.
Inborn genetic diseases. Identifiers: MedGen C0950123, MeSH D030342.
Medium-chain acyl-coenzyme A dehydrogenase deficiency (ACADMD). Also called: MCADH DEFICIENCY; MCAD Deficiency; MCADD; CARNITINE DEFICIENCY SECONDARY TO MEDIUM-CHAIN ACYL-CoA DEHYDROGENASE DEFICIENCY; ACADM DEFICIENCY; Medium chain acyl-CoA dehydrogenase deficiency. Identifiers: Orphanet 42, MedGen C0220710, MONDO:0008721, OMIM 201450.

Submissions (13):

Natera, Inc.
Classification: Pathogenic for Medium Chain Acyl-CoA Dehydrogenase Deficiency. Last evaluated: 2025-11-10. Review status: criteria provided, single submitter. Criteria: Natera Variant Classification Schema (03/2026). Collection method: clinical testing. Allele origin: germline.
Comment: The c.1102_1105delTTAG variant in ACADM is a frameshift variant predicted to shift the reading frame beginning at codon 369 and leads to a stop codon 18 codons downstream. This variant is expected to result in nonsense mediated decay, truncation, or a dysfunctional protein product. This variant is rare in the general population with a frequency below the threshold expected for the associated phenotype(s). This variant has been observed in one or more individuals affected with the associated recessive disease, as either homozygous or compound heterozygous with a second variant (PMID: 1729890). Given the available evidence, this variant is classified as Pathogenic.

Genetics Laboratory, Great Ormond Street Hospital NHS Foundation Trust, North Thames Genomic Laboratory Hub
Classification: Pathogenic for MCADD - Medium-chain acyl-CoA dehydrogenase deficiency – full ACADM sequencing newborn screening follow up. Last evaluated: 2025-07-18. Review status: criteria provided, single submitter. Criteria: ACGS Best Practice Guidelines for Variant Classification in Rare Disease 2024 v1.2. Collection method: clinical testing. Allele origin: germline. Affected: yes.
Comment: PM2_moderate, PVS1_strong, PM3_strong

Labcorp Genetics (formerly Invitae), Labcorp
Classification: Pathogenic for Medium-chain acyl-coenzyme A dehydrogenase deficiency. Last evaluated: 2025-06-01. Review status: criteria provided, single submitter. Criteria: Invitae Variant Classification Sherloc (09022015). Collection method: clinical testing. Allele origin: germline.
Comment: This sequence change creates a premature translational stop signal (p.Ala369Leufs*18) in the ACADM gene. While this is not anticipated to result in nonsense mediated decay, it is expected to disrupt the last 53 amino acid(s) of the ACADM protein. This variant is present in population databases (rs387906297, gnomAD 0.005%). This premature translational stop signal has been observed in individual(s) with medium-chain acyl-coenzyme A dehydrogenase deficiency (PMID: 1356169, 1729890, 20434380). It has also been observed to segregate with disease in related individuals. This variant is also known as c.1100_1103del. ClinVar contains an entry for this variant (Variation ID: 3592). For these reasons, this variant has been classified as Pathogenic.

GeneDx
Classification: Pathogenic. Last evaluated: 2024-12-10. Review status: criteria provided, single submitter. Criteria: GeneDx Variant Classification Process June 2021. Collection method: clinical testing. Allele origin: germline. Affected: yes.
Comment: Frameshift variant predicted to result in abnormal protein length as the last 53 amino acid(s) are replaced with 17 different amino acid(s), and other similar variants have been reported in HGMD; Not observed at significant frequency in large population cohorts (gnomAD); Also known as p.(A344Lfs*18), c.1100_1103del; This variant is associated with the following publications: (PMID: 20434380, 1356169, 32778825, 1729890, 27477829, 20639189)

Ambry Genetics
Classification: Pathogenic for Inborn genetic diseases. Last evaluated: 2024-05-07. Review status: criteria provided, single submitter. Criteria: Ambry Variant Classification Scheme 2023. Collection method: clinical testing. Allele origin: germline.
Comment: The c.1102_1105delTTAG (p.A369Lfs*18) alteration, located in exon 11 (coding exon 11) of the ACADM gene, consists of a deletion of 4 nucleotides from position 1102 to 1105, causing a translational frameshift with a predicted alternate stop codon after 18 amino acids. This alteration occurs at the 3' terminus of the ACADM gene, is not expected to trigger nonsense-mediated mRNA decay, and impacts the last 12.5% of the protein. Premature stop codons are typically deleterious in nature. The impacted region is critical for protein function and a significant portion of the protein is affected (Ambry internal data). Based on data from gnomAD, the c.1102_1105delTTAG allele has an overall frequency of 0.002% (6/282676) total alleles studied. The highest observed frequency was 0.005% (6/128992) of European (non-Finnish) alleles. This variant has been identified in the homozygous state and/or in conjunction with other ACADM variant(s) in individual(s) with features consistent with Medium chain acyl-CoA dehydrogenase deficiency; in at least one instance, the variants were identified in trans (Kelly, 1992; Smith, 2010). Based on the available evidence, this alteration is classified as pathogenic.

Baylor Genetics
Classification: Pathogenic for Medium-chain acyl-coenzyme A dehydrogenase deficiency. Last evaluated: 2023-11-24. Review status: criteria provided, single submitter. Criteria: ACMG Guidelines, 2015. Collection method: clinical testing. Allele origin: unknown.

Fulgent Genetics
Classification: Likely pathogenic for Medium-chain acyl-coenzyme A dehydrogenase deficiency. Last evaluated: 2022-03-30. Review status: criteria provided, single submitter. Criteria: ACMG Guidelines, 2015. Collection method: clinical testing. Allele origin: unknown.

Revvity Omics, Revvity
Classification: Pathogenic for Medium-chain acyl-coenzyme A dehydrogenase deficiency. Last evaluated: 2021-06-04. Review status: criteria provided, single submitter. Criteria: ACMG Guidelines, 2015. Collection method: clinical testing. Allele origin: germline.

Women's Health and Genetics/Laboratory Corporation of America, LabCorp
Classification: Pathogenic for Medium-chain acyl-coenzyme A dehydrogenase deficiency. Last evaluated: 2021-01-27. Review status: criteria provided, single submitter. Criteria: LabCorp Variant Classification Summary - May 2015. Collection method: clinical testing. Allele origin: germline.
Comment: Variant summary: ACADM c.1102_1105delTTAG (p.Ala369LeufsX18) results in a premature termination codon, predicted to cause a truncation of the encoded protein or absence of the protein due to nonsense mediated decay, which are commonly known mechanisms for disease. Truncations downstream of this position have been classified as pathogenic by our laboratory. The variant allele was found at a frequency of 1.2e-05 in 251270 control chromosomes. c.1102_1105delTTAG has been reported in the literature in multiple individuals affected with Medium Chain Acyl-CoA Dehydrogenase Deficiency and characteristic biochemical profiles of elevated C8 (octanoylcarnitine) and HG (hexanoylglycine) levels in plasma and urine respectively (example, Ding_1992, Kelly_1992, Smith_2010). These data indicate that the variant is very likely to be associated with disease. Three clinical diagnostic laboratories have submitted clinical-significance assessments for this variant to ClinVar after 2014. All laboratories classified the variant as pathogenic with some citing overlapping evidence utilized in the context of this evaluation. Based on the evidence outlined above, the variant was classified as pathogenic.

ARUP Laboratories, Molecular Genetics and Genomics, ARUP Laboratories
Classification: Pathogenic for Medium-chain acyl-coenzyme A dehydrogenase deficiency. Last evaluated: 2015-02-20. Review status: criteria provided, single submitter. Criteria: ACMG Guidelines, 2015. Collection method: clinical testing. Allele origin: germline. Inheritance: Autosomal recessive inheritance. Observed: 3 heterozygotes.

Eurofins Ntd Llc (ga)
Classification: Pathogenic. Last evaluated: 2012-11-08. Review status: criteria provided, single submitter. Criteria: EGL Classification Definitions. Collection method: clinical testing. Allele origin: germline. Observed: 3 variant alleles, 3 heterozygotes.

PreventionGenetics, part of Exact Sciences
Classification: Pathogenic for ACADM-related condition. Last evaluated: 2023-11-15. Review status: no assertion criteria provided. Collection method: clinical testing. Allele origin: germline. Not counted in ClinVar's aggregate classification.
Comment: The ACADM c.1102_1105delTTAG variant is predicted to result in a frameshift and premature protein termination (p.Ala369Leufs*18). This variant, which has also been described as c.1100_1103del, has been reported with a second causative ACADM variant in individuals clinical and/or biochemical features consistent with medium chain acyl CoA dehydrogenase deficiency (MCADD) (Kelly et al. 1992. PubMed ID: 1356169; Smith et al. 2010. PubMed ID: 20434380). It has been reported to segregate with disease in at least one family (Ding et al. 1992. PubMed ID: 1729890). This variant is reported in 0.0047% of alleles in individuals of European (Non-Finnish) descent in gnomAD. Other nonsense and frameshift variants both up- and downstream in ACADM have been reported to be causative for MCADD (Human Gene Mutation Database). In summary, this variant is interpreted as pathogenic.

OMIM
Classification: Pathogenic for MCAD DEFICIENCY. Last evaluated: 1992-01-01. Review status: no assertion criteria provided. Collection method: literature only. Allele origin: germline. Not counted in ClinVar's aggregate classification.

Literature cited by the submitters: PubMed 1729890 (cited by 4 submitters); PubMed 1356169 (cited by 4 submitters); PubMed 20434380 (cited by 3 submitters).